The following is an entry in ClinVar:

ClinVar aggregate classification (germline): Conflicting classifications of pathogenicity. Review status: criteria provided, conflicting classifications (1 of 4 stars). 4 submissions from 4 submitters: Likely pathogenic (3); Uncertain significance (1). Last evaluated 2024-11-06.

Conditions:
Inborn genetic diseases. Identifiers: MedGen C0950123, MeSH D030342.
Intellectual disability, autosomal dominant 24 (VSVS). Also called: VULTO-VAN SILFHOUT-DE VRIES SYNDROME. Identifiers: MedGen C4014414, MONDO:0014357, OMIM 615828.

Submissions (4):

Ambry Genetics
Classification: Likely pathogenic for Inborn genetic diseases. Last evaluated: 2024-11-06. Review status: criteria provided, single submitter. Criteria: Ambry Variant Classification Scheme 2023. Collection method: clinical testing. Allele origin: germline.
Comment: The c.620G>A (p.C207Y) alteration is located in exon 4 (coding exon 4) of the DEAF1 gene. This alteration results from a G to A substitution at nucleotide position 620, causing the cysteine (C) at amino acid position 207 to be replaced by a tyrosine (Y). for autosomal dominant Vulto-van Silfout-de Vries syndrome; however, its clinical significance for autosomal recessive DEAF1-related neurodevelopmental disorder is uncertain. This variant was not reported in population-based cohorts in the Genome Aggregation Database (gnomAD). This variant was reported in multiple individuals with features consistent with Vulto-van Silfout-de Vries syndrome (Zhou, 2022; Abolhassani, 2024). This amino acid position is highly conserved in available vertebrate species. This alteration is predicted to be deleterious by in silico analysis. Based on the available evidence, this alteration is classified as likely pathogenic.

GeneDx
Classification: Uncertain significance. Last evaluated: 2022-12-13. Review status: criteria provided, single submitter. Criteria: GeneDx Variant Classification Process June 2021. Collection method: clinical testing. Allele origin: germline. Affected: yes.
Comment: Not observed at significant frequency in large population cohorts (gnomAD); In silico analysis supports that this missense variant has a deleterious effect on protein structure/function; This variant is associated with the following publications: (PMID: 31981491)

Laboratory of Medical Genetics, University of Torino
Classification: Likely pathogenic for Intellectual disability, autosomal dominant 24. Last evaluated: 2022-11-29. Review status: criteria provided, single submitter. Criteria: ACMG Guidelines, 2015. Collection method: research. Allele origin: germline. Affected: yes. Study: NeuroWES.

Juno Genomics, Hangzhou Juno Genomics, Inc
Classification: Likely pathogenic for Intellectual disability, autosomal dominant 24. Review status: criteria provided, single submitter. Criteria: ACMG Guidelines, 2015. Collection method: clinical testing. Allele origin: germline. Affected: yes.
Comment: Absent from controls (or at extremely low frequency if recessive) in Genome Aggregation Database.;De novo (both maternity and paternity confirmed) in a patient with the disease and no family history.;Multiple lines of computational evidence support a deleterious effect on the gene or gene product.;The prevalence of the variant in affected individuals is significantly increased compared to the prevalence in controls.

Literature cited by the submitters: PubMed 35982159 (cited by Ambry Genetics); PubMed 38374194 (cited by Ambry Genetics).

NM_021008.4(DEAF1):c.620G>A (p.Cys207Tyr)

Gene: DEAF1 (DEAF1 transcription factor; minus strand). Cytogenetic location: 11p15.5.
Variant type: single nucleotide variant.
Coding change: c.620G>A on transcript NM_021008.4 (MANE Select); coding-DNA position 620, G replaced by A.
Protein change: p.Cys207Tyr; replaces cysteine 207 with tyrosine.
Molecular consequence: missense variant. On other transcripts: 5 prime UTR variant (1).
Genome position (GRCh38, 1-based): chr11:687,955, C>T on the plus strand (G>A on the coding strand, the complement: DEAF1 is on the minus strand). VCF-style: chr11-687955-C-T. GRCh37 (hg19) VCF-style: chr11-687955-C-T.
Other names: c.620G>A (NM_021008.2); c.620G>A, p.Cys207Tyr (NM_001293634.2); c.-107G>A (NM_001367390.1); short protein forms C207Y.
Identifiers: ClinVar variation 1802553 (VCV001802553.4), dbSNP rs2494455320, ClinGen allele CA378933478.